The following is an entry in ClinVar:

NM_001365951.3(KIF1B):c.-1A>C

Genes: KIF1B (kinesin family member 1B; plus strand), LOC129388446 (MPRA-validated peak64 silencer; plus strand). Cytogenetic location: 1p36.22.
Variant type: single nucleotide variant.
Coding change: c.-1A>C on transcript NM_001365951.3 (MANE Select); 1 bases upstream of the start codon, A replaced by C.
Molecular consequence: 5 prime UTR variant.
Genome position (GRCh38, 1-based): chr1:10,232,328, A>C. VCF-style: chr1-10232328-A-C. GRCh37 (hg19) VCF-style: chr1-10292386-A-C.
Other names: c.-1A>C (NM_001365952.1, NM_001365953.1, NM_015074.3 and 1 more transcripts).
Identifiers: ClinVar variation 1784167 (VCV001784167.2), dbSNP rs2523352527, ClinGen allele CA2580060439.

ClinVar aggregate classification (germline): Uncertain significance (1 of 4 stars; one submission).

Submission:

Ambry Genetics
Classification: Uncertain significance. Last evaluated: 2022-01-06. Review status: criteria provided, single submitter. Criteria: Ambry Variant Classification Scheme 2023. Collection method: clinical testing. Allele origin: germline.
Comment: The c.-1A>C variant is located in the 5' untranslated region (5&rsquo; UTR) of the KIF1B gene. This variant results from an A to C substitution 1 bases upstream from the first translated codon. This nucleotide position is not well conserved in available vertebrate species. Since supporting evidence is limited at this time, the clinical significance of this alteration remains unclear.